The following is an entry in ClinVar:

ClinVar aggregate classification (germline): Uncertain significance (1 of 4 stars; one submission).

Conditions:
Deficiency of alpha-mannosidase (MANSA). Also called: LYSOSOMAL ALPHA-D-MANNOSIDASE DEFICIENCY; Mannosidosis, alpha-, types I and II; Alpha-Mannosidosis. Identifiers: Orphanet 61, MedGen C0024748, MONDO:0009561, OMIM 248500.

Allele frequency attached by ClinVar (database versions not stated): ExAC 0.00001; gnomAD 0.00001; TOPMed 0.00002.
gnomAD v4.1: 8 of 1,608,656 alleles (0.0005%); highest among the groups gnomAD compares: East Asian, 0.0022%; no homozygotes.

Submission:

Labcorp Genetics (formerly Invitae), Labcorp
Classification: Uncertain significance for Deficiency of alpha-mannosidase. Last evaluated: 2022-07-19. Review status: criteria provided, single submitter. Criteria: Invitae Variant Classification Sherloc (09022015). Collection method: clinical testing. Allele origin: germline.
Comment: This sequence change replaces valine, which is neutral and non-polar, with methionine, which is neutral and non-polar, at codon 139 of the MAN2B1 protein (p.Val139Met). The frequency data for this variant in the population databases is considered unreliable, as metrics indicate poor data quality at this position in the gnomAD database. This variant has not been reported in the literature in individuals affected with MAN2B1-related conditions. Algorithms developed to predict the effect of missense changes on protein structure and function are either unavailable or do not agree on the potential impact of this missense change (SIFT: "Deleterious"; PolyPhen-2: "Probably Damaging"; Align-GVGD: "Class C0"). In summary, the available evidence is currently insufficient to determine the role of this variant in disease. Therefore, it has been classified as a Variant of Uncertain Significance.

NM_000528.4(MAN2B1):c.415G>A (p.Val139Met)

Gene: MAN2B1 (mannosidase alpha class 2B member 1; minus strand). Cytogenetic location: 19p13.13.
Variant type: single nucleotide variant.
Coding change: c.415G>A on transcript NM_000528.4 (MANE Select); coding-DNA position 415, G replaced by A.
Protein change: p.Val139Met; replaces valine 139 with methionine.
Molecular consequence: missense variant.
Genome position (GRCh38, 1-based): chr19:12,665,373, C>T on the plus strand (G>A on the coding strand, the complement: MAN2B1 is on the minus strand). VCF-style: chr19-12665373-C-T. GRCh37 (hg19) VCF-style: chr19-12776187-C-T.
Other names: c.415G>A, p.Val139Met (NM_001173498.2); short protein forms V139M.
Identifiers: ClinVar variation 2173506 (VCV002173506.1), dbSNP rs757860525, ClinGen allele CA9226823.
Genomic context (GRCh38, chr19:12,665,373, plus strand): 5'-GCTGGGCTTCCTCTTTTCACTTCCTTGGGGTAGGCTCACCCTGGCGCACAAGGTCTCGCA[C>T]GACTTCCTGTGTGGCATTTGTCTGCTGGTGCCACCAACGGGAGAAGAAGGCAATCTCCAC-3'
Protein context (NP_000519.2, residues 129-149): HQQTNATQEV[Val139Met]RDLVRQGRLE